The following is an entry in ClinVar:

ClinVar aggregate classification (germline): Uncertain significance (1 of 4 stars; one submission).

Submission:

GeneDx
Classification: Uncertain significance. Last evaluated: 2021-01-06. Review status: criteria provided, single submitter. Criteria: GeneDx Variant Classification Process June 2021. Collection method: clinical testing. Allele origin: germline. Affected: yes.
Comment: Not observed in large population cohorts (Lek et al., 2016); Frameshift variant predicted to result in protein truncation or nonsense mediated decay in a gene for which loss-of-function is not a known mechanism of disease; Has not been previously published as pathogenic or benign to our knowledge

NM_138615.3(DHX30):c.2307_2312delinsCAAGAGCCAATGTG (p.Trp770fs)

Gene: DHX30 (DExH-box helicase 30; plus strand). Cytogenetic location: 3p21.31.
Variant type: Indel.
Coding change: c.2307_2312delinsCAAGAGCCAATGTG on transcript NM_138615.3 (MANE Select); coding-DNA positions 2307 to 2312, GTGGGT replaced by CAAGAGCCAATGTG.
Protein change: p.Trp770fs; shifts the reading frame from tryptophan 770.
Molecular consequence: frameshift variant.
Genome position (GRCh38, 1-based): chr3:47,848,200-47,848,205, GTGGGT replaced by CAAGAGCCAATGTG. VCF-style: chr3-47848200-GTGGGT-CAAGAGCCAATGTG. GRCh37 (hg19) VCF-style: chr3-47889690-GTGGGT-CAAGAGCCAATGTG.
Other names: c.2223_2228delinsCAAGAGCCAATGTG, p.Trp742fs (NM_001330990.2); c.2190_2195delinsCAAGAGCCAATGTG, p.Trp731fs (NM_014966.4); short protein forms W731fs, W742fs, W770fs.
Identifiers: ClinVar variation 1313926 (VCV001313926.2), dbSNP rs2107143092, ClinGen allele CA2573052183.